The following is an entry in ClinVar:

ClinVar aggregate classification (germline): Pathogenic (1 of 4 stars; one submission).

Submission:

Labcorp Genetics (formerly Invitae), Labcorp
Classification: Pathogenic. Last evaluated: 2022-12-10. Review status: criteria provided, single submitter. Criteria: Invitae Variant Classification Sherloc (09022015). Collection method: clinical testing. Allele origin: germline.
Comment: For these reasons, this variant has been classified as Pathogenic. This variant has not been reported in the literature in individuals affected with CDH23-related conditions. This variant is not present in population databases (gnomAD no frequency). This sequence change creates a premature translational stop signal (p.Tyr1107*) in the CDH23 gene. It is expected to result in an absent or disrupted protein product. Loss-of-function variants in CDH23 are known to be pathogenic (PMID: 11138009, 21940737).

Literature cited by the submitters: PubMed 11138009; PubMed 21940737.

NM_022124.6(CDH23):c.3321T>A (p.Tyr1107Ter)

Genes: C10orf105 (chromosome 10 open reading frame 105; minus strand), CDH23 (cadherin related 23; plus strand). Cytogenetic location: 10q22.1.
Variant type: single nucleotide variant.
Coding change: c.3321T>A on transcript NM_022124.6 (MANE Select); coding-DNA position 3321, T replaced by A.
Protein change: p.Tyr1107Ter; replaces tyrosine 1107 with a stop codon.
Molecular consequence: nonsense. On other transcripts: 3 prime UTR variant (2).
Genome position (GRCh38, 1-based): chr10:71,712,765, T>A. VCF-style: chr10-71712765-T-A. GRCh37 (hg19) VCF-style: chr10-73472522-T-A.
Other names: c.*3171A>T (NM_001164375.3, NM_001168390.2); c.3321T>A, p.Tyr1107Ter (NM_001171930.2); short protein forms Y1107*.
Identifiers: ClinVar variation 2819985 (VCV002819985.3), dbSNP rs2494092971, ClinGen allele CA377144660.